The following is an entry in ClinVar:

NM_000501.4(ELN):c.1919-3C>G

Gene: ELN (elastin; plus strand). Cytogenetic location: 7q11.23.
Variant type: single nucleotide variant.
Coding change: c.1919-3C>G on transcript NM_000501.4 (MANE Select); 3 bases into the intron before coding-DNA position 1919, C replaced by G.
Molecular consequence: intron variant.
Genome position (GRCh38, 1-based): chr7:74,063,618, C>G. VCF-style: chr7-74063618-C-G. GRCh37 (hg19) VCF-style: chr7-73477948-C-G.
Other names: c.1934-3C>G (NM_001081754.3); c.1877-3C>G (NM_001081753.3); c.2105-3C>G (NM_001278939.2); c.1937-3C>G (NM_001278915.2); c.1919-3C>G (NM_001278912.2); c.1862-3C>G (NM_001081755.3); c.1775-3C>G (NM_001278916.2); c.1676-3C>G (NM_001278913.2); and 4 more.
Identifiers: ClinVar variation 1304242 (VCV001304242.2), dbSNP rs782532851, ClinGen allele CA2573052917.
Genomic context (GRCh38, chr7:74,063,618, plus strand): 5'-CAGGCCGAGGCTTCAGTCCCACCTTTCTGACCAGCGGAGTCTAATGCTCAGCTGTCTCCA[C>G]AGGCCTAGTGGGAGCCGCTGGGCTCGGAGGACTCGGAGTCGGAGGGCTTGGAGTTCCAGG-3'

ClinVar aggregate classification (germline): Uncertain significance (1 of 4 stars; one submission).

Submission:

GeneDx
Classification: Uncertain significance. Last evaluated: 2019-09-13. Review status: criteria provided, single submitter. Criteria: GeneDx Variant Classification Process June 2021. Collection method: clinical testing. Allele origin: germline. Affected: yes.
Comment: Has not been previously published as pathogenic or benign to our knowledge; Not observed in large population cohorts (Lek et al., 2016); In silico analysis, which includes splice predictors and evolutionary conservation, suggests this variant may impact gene splicing by damaging the splice acceptor site for intron 28. In the absence of RNA/functional studies, the actual effect of this sequence change is unknown.